The following is an entry in ClinVar:

ClinVar aggregate classification (germline): Uncertain significance. Review status: criteria provided, multiple submitters, no conflicts (2 of 4 stars). 3 submissions from 3 submitters: Uncertain significance (3). Last evaluated 2025-10-23.

Conditions:
Hereditary cancer-predisposing syndrome. Also called: Tumor predisposition; Hereditary Cancer Syndrome; Hereditary neoplastic syndrome; Neoplastic Syndromes, Hereditary. Identifiers: Orphanet 140162, MedGen C0027672, MeSH D009386, MONDO:0015356.
Familial adenomatous polyposis 1 (FAP1). Also called: FAMILIAL ADENOMATOUS POLYPOSIS 1, ATTENUATED; POLYPOSIS, ADENOMATOUS INTESTINAL. Identifiers: MedGen C2713442, MONDO:0021056, OMIM 175100. Disease mechanism: loss of function.

Submissions (3):

Labcorp Genetics (formerly Invitae), Labcorp
Classification: Uncertain significance for Familial adenomatous polyposis 1. Last evaluated: 2025-10-23. Review status: criteria provided, single submitter. Criteria: Invitae Variant Classification Sherloc (09022015). Collection method: clinical testing. Allele origin: germline.
Comment: This sequence change replaces histidine, which is basic and polar, with arginine, which is basic and polar, at codon 325 of the APC protein (p.His325Arg). This variant is not present in population databases (gnomAD no frequency). This variant has not been reported in the literature in individuals affected with APC-related conditions. ClinVar contains an entry for this variant (Variation ID: 181767). Invitae Evidence Modeling of protein sequence and biophysical properties (such as structural, functional, and spatial information, amino acid conservation, physicochemical variation, residue mobility, and thermodynamic stability) indicates that this missense variant is not expected to disrupt APC protein function with a negative predictive value of 95%. In summary, the available evidence is currently insufficient to determine the role of this variant in disease. Therefore, it has been classified as a Variant of Uncertain Significance.

Ambry Genetics
Classification: Uncertain significance for Hereditary cancer-predisposing syndrome. Last evaluated: 2025-09-08. Review status: criteria provided, single submitter. Criteria: Ambry Variant Classification Scheme 2023. Collection method: clinical testing. Allele origin: germline.
Comment: The p.H325R variant (also known as c.974A>G), located in coding exon 9 of the APC gene, results from an A to G substitution at nucleotide position 974. The histidine at codon 325 is replaced by arginine, an amino acid with highly similar properties. This amino acid position is highly conserved in available vertebrate species. In addition, in silico predictors for this gene do not accurately predict pathogenicity. Missense alterations in APC are not a common cause of disease (Spier I et al. Genet Med. 2024 Feb;26(2):100992). Based on the available evidence, the clinical significance of this variant remains unclear.

GeneDx
Classification: Uncertain significance. Last evaluated: 2014-10-06. Review status: criteria provided, single submitter. Criteria: GeneDx Variant Classification (06012015). Collection method: clinical testing. Allele origin: germline. Affected: yes.
Comment: This variant is denoted APC c.974A>G at the cDNA level, p.His325Arg (H325R) at the protein level, and results in the change of a Histidine to an Arginine (CAT>CGT). This variant has not, to our knowledge, been published in the literature as pathogenic or benign. APC His325Arg was not observed in approximately 6,500 individuals of European and African American ancestry in the NHLBI Exome Sequencing Project, indicating it is not a common benign variant in these populations. Since Histidine and Arginine share similar properties, this is considered a conservative amino acid substitution. APC His325Arg occurs at a position that is highly conserved across species and is located in a Leu-rich region with specific function unknown (UniProt). In silico analyses are inconsistent regarding the effect this variant may have on protein structure and function. Based on currently available information, it is unclear whether APC His325Arg is pathogenic or benign. We consider it to be a variant of uncertain significance.

NM_000038.6(APC):c.974A>G (p.His325Arg)

Gene: APC (APC regulator of Wnt signaling pathway; plus strand). Cytogenetic location: 5q22.2.
Variant type: single nucleotide variant.
Coding change: c.974A>G on transcript NM_000038.6 (MANE Select); coding-DNA position 974, A replaced by G.
Protein change: p.His325Arg; replaces histidine 325 with arginine.
Molecular consequence: missense variant. On other transcripts: intron variant (4).
Genome position (GRCh38, 1-based): chr5:112,819,006, A>G. VCF-style: chr5-112819006-A-G. GRCh37 (hg19) VCF-style: chr5-112154703-A-G.
Other names: p.H325R:CAT>CGT; c.974A>G, p.His325Arg (NM_001127510.3, NM_001354895.2, NM_001354896.2); c.920A>G, p.His307Arg (NM_001127511.3); c.1004A>G, p.His335Arg (NM_001354897.2); c.899A>G, p.His300Arg (NM_001354898.2); c.890A>G, p.His297Arg (NM_001354899.2); c.797A>G, p.His266Arg (NM_001354900.2, NM_001354901.2); c.125A>G, p.His42Arg (NM_001354906.2); and 4 more; short protein forms H307R, H325R, H300R, H42R, H297R, H266R, H335R.
Identifiers: ClinVar variation 181767 (VCV000181767.9), dbSNP rs730881221, ClinGen allele CA016010.